The following is an entry in ClinVar:

NM_000193.4(SHH):c.756C>T (p.Phe252=)

Gene: SHH (sonic hedgehog signaling molecule; minus strand). Cytogenetic location: 7q36.3.
Variant type: single nucleotide variant.
Coding change: c.756C>T on transcript NM_000193.4 (MANE Select); coding-DNA position 756, C replaced by T.
Protein change: p.Phe252=; no amino-acid change (phenylalanine 252 retained).
Molecular consequence: synonymous variant. On other transcripts: intron variant (1).
Genome position (GRCh38, 1-based): chr7:155,803,533, G>A on the plus strand (C>T on the coding strand, the complement: SHH is on the minus strand). VCF-style: chr7-155803533-G-A. GRCh37 (hg19) VCF-style: chr7-155596227-G-A.
Other names: c.301+2763C>T (NM_001310462.2); c.756C>T (NM_000193.3).
Identifiers: ClinVar variation 787852 (VCV000787852.19), dbSNP rs113275997, ClinGen allele CA4586949.

ClinVar aggregate classification (germline): Likely benign. Review status: criteria provided, multiple submitters, no conflicts (2 of 4 stars). 4 submissions from 4 submitters: Likely benign (3). 1 of the submissions does not count toward it. Last evaluated 2025-06-15.

Conditions:
SHH-related disorder. Also called: SHH-related disorders; SHH-related condition.
Holoprosencephaly 3 (HPE3). Identifiers: Orphanet 2162, MedGen C1840529, MONDO:0007733, OMIM 142945.

Allele frequency attached by ClinVar (database versions not stated): gnomAD exomes 0.00001 and 0.00002; ExAC 0.00006; ESP Exome Variant Server 0.00015; gnomAD 0.00020 and 0.00024; TOPMed 0.00025.
gnomAD v4.1: 50 of 1,593,238 alleles (0.0031%); highest among the groups gnomAD compares: African/African-American, 0.064%; no homozygotes.

Submissions (4):

Labcorp Genetics (formerly Invitae), Labcorp
Classification: Likely benign for Holoprosencephaly 3. Last evaluated: 2025-06-15. Review status: criteria provided, single submitter. Criteria: Invitae Variant Classification Sherloc (09022015). Collection method: clinical testing. Allele origin: germline.

ARUP Laboratories, Molecular Genetics and Genomics, ARUP Laboratories
Classification: Likely benign. Last evaluated: 2021-09-20. Review status: criteria provided, single submitter. Criteria: ARUP Molecular Germline Variant Investigation Process 2021. Collection method: clinical testing. Allele origin: germline.

Breakthrough Genomics
Classification: Likely benign. Review status: criteria provided, single submitter. Criteria: ACMG Guidelines, 2015. Collection method: not provided. Allele origin: germline. Inheritance: Autosomal dominant inheritance. Affected: yes.

PreventionGenetics, part of Exact Sciences
Classification: Likely benign for SHH-related condition. Last evaluated: 2019-07-24. Review status: no assertion criteria provided. Collection method: clinical testing. Allele origin: germline. Not counted in ClinVar's aggregate classification.
Comment: This variant is classified as likely benign based on ACMG/AMP sequence variant interpretation guidelines (Richards et al. 2015 PMID: 25741868, with internal and published modifications).